The following is an entry in ClinVar:

NM_001868.4(CPA1):c.788T>G (p.Leu263Trp)

Gene: CPA1 (carboxypeptidase A1; plus strand). Cytogenetic location: 7q32.2.
Variant type: single nucleotide variant.
Coding change: c.788T>G on transcript NM_001868.4 (MANE Select); coding-DNA position 788, T replaced by G.
Protein change: p.Leu263Trp; replaces leucine 263 with tryptophan.
Molecular consequence: missense variant.
Genome position (GRCh38, 1-based): chr7:130,385,146, T>G. VCF-style: chr7-130385146-T-G. GRCh37 (hg19) VCF-style: chr7-130024987-T-G.
Other names: short protein forms L263W.
Identifiers: ClinVar variation 4869360 (VCV004869360.1).
Genomic context (GRCh38, chr7:130,385,146, plus strand): 5'-GATTCCAGAAGCCACAGAAGCTGGAGGAGCCACACCGCCATGCCCTCTGTCCCCCCACAG[T>G]GTCCGGAGCCAGCAGTAACCCCTGCTCGGAGACTTACCACGGCAAGTTTGCCAATTCCGA-3'
Protein context (NP_001859.1, residues 253-273): PNRNWDAGFG[Leu263Trp]SGASSNPCSE

ClinVar aggregate classification (germline): Uncertain significance (1 of 4 stars; one submission).

Conditions:
Hereditary pancreatitis (PCTT). Also called: Hereditary chronic pancreatitis; PRSS1-Related Hereditary Pancreatitis. Identifiers: Orphanet 676, MedGen C0238339, MONDO:0008185, OMIM 167800.

Submission:

Ambry Genetics
Classification: Uncertain significance for Hereditary pancreatitis. Last evaluated: 2026-04-13. Review status: criteria provided, single submitter. Criteria: Ambry Variant Classification Scheme 2023. Collection method: clinical testing. Allele origin: germline.
Comment: The p.L263W variant (also known as c.788T>G) is located in coding exon 8 of the CPA1 gene. The leucine at codon 263 is replaced by tryptophan, an amino acid with similar properties. This change occurs in the first base pair of coding exon 8. This amino acid position is conserved. In addition, this alteration is predicted to be tolerated by in silico analysis. Based on the available evidence, the clinical significance of this variant remains unclear.